The following is an entry in ClinVar:

NM_001011658.4(TRAPPC2):c.276A>T (p.Glu92Asp)

Genes: OFD1 (OFD1 centriole and centriolar satellite protein; plus strand), TRAPPC2 (trafficking protein particle complex subunit 2; minus strand). Cytogenetic location: Xp22.2.
Variant type: single nucleotide variant.
Coding change: c.276A>T on transcript NM_001011658.4 (MANE Select); coding-DNA position 276, A replaced by T.
Protein change: p.Glu92Asp; replaces glutamic acid 92 with aspartic acid.
Molecular consequence: missense variant.
Genome position (GRCh38, 1-based): chrX:13,716,052, T>A on the plus strand (A>T on the coding strand, the complement: TRAPPC2 is on the minus strand). VCF-style: chrX-13716052-T-A. GRCh37 (hg19) VCF-style: chrX-13734171-T-A.
Other names: c.378A>T, p.Glu126Asp (NM_001128835.3); c.276A>T, p.Glu92Asp (NM_014563.6); short protein forms E126D, E92D.
Identifiers: ClinVar variation 1355570 (VCV001355570.6), dbSNP rs2146772751, ClinGen allele CA412324756.

ClinVar aggregate classification (germline): Uncertain significance (1 of 4 stars; one submission).

Submission:

Labcorp Genetics (formerly Invitae), Labcorp
Classification: Uncertain significance. Last evaluated: 2022-09-07. Review status: criteria provided, single submitter. Criteria: Invitae Variant Classification Sherloc (09022015). Collection method: clinical testing. Allele origin: germline.
Comment: This variant has not been reported in the literature in individuals affected with TRAPPC2-related conditions. In summary, the available evidence is currently insufficient to determine the role of this variant in disease. Therefore, it has been classified as a Variant of Uncertain Significance. Algorithms developed to predict the effect of sequence changes on RNA splicing suggest that this variant may disrupt the consensus splice site. Algorithms developed to predict the effect of missense changes on protein structure and function are either unavailable or do not agree on the potential impact of this missense change (SIFT: "Tolerated"; PolyPhen-2: "Possibly Damaging"; Align-GVGD: "Class C0"). ClinVar contains an entry for this variant (Variation ID: 1355570). This variant is not present in population databases (gnomAD no frequency). This sequence change replaces glutamic acid, which is acidic and polar, with aspartic acid, which is acidic and polar, at codon 92 of the TRAPPC2 protein (p.Glu92Asp).